The following is an entry in ClinVar:

ClinVar aggregate classification (germline): Benign. Review status: criteria provided, multiple submitters, no conflicts (2 of 4 stars). 2 submissions from 2 submitters: Benign (2). Last evaluated 2018-06-16.

Allele frequency attached by ClinVar (database versions not stated): gnomAD exomes 0.00189; gnomAD 0.01685 and 0.01802; 1000 Genomes Project 0.01837; 1000 Genomes Project 30x 0.01874; TOPMed 0.01953.
gnomAD v4.1: 4,338 of 1,018,870 alleles (0.43%); highest among the groups gnomAD compares: African/African-American, 6.1%; 142 homozygotes.

Submissions (2):

GeneDx
Classification: Benign. Last evaluated: 2018-06-16. Review status: criteria provided, single submitter. Criteria: GeneDx Variant Classification (06012015). Collection method: clinical testing. Allele origin: germline. Affected: yes.
Comment: This variant is considered likely benign or benign based on one or more of the following criteria: it is a conservative change, it occurs at a poorly conserved position in the protein, it is predicted to be benign by multiple in silico algorithms, and/or has population frequency not consistent with disease.

Breakthrough Genomics
Classification: Benign. Review status: criteria provided, single submitter. Criteria: ACMG Guidelines, 2015. Collection method: not provided. Allele origin: germline. Inheritance: Autosomal recessive inheritance. Affected: yes.

NM_170707.4(LMNA):c.1608+152A>G

Gene: LMNA (lamin A/C; plus strand). Cytogenetic location: 1q22.
Variant type: single nucleotide variant.
Coding change: c.1608+152A>G on transcript NM_170707.4 (MANE Select); 152 bases into the intron after coding-DNA position 1608, A replaced by G.
Molecular consequence: intron variant.
Genome position (GRCh38, 1-based): chr1:156,137,384, A>G. VCF-style: chr1-156137384-A-G. GRCh37 (hg19) VCF-style: chr1-156107175-A-G.
Other names: c.1608+152A>G (NM_001282625.2, NM_001282626.2, NM_170708.4 and 1 more transcripts); c.1272+152A>G (NM_001257374.3); c.1365+152A>G (NM_001282624.2).
Identifiers: ClinVar variation 675553 (VCV000675553.2), dbSNP rs12058407, ClinGen allele CA31014532.